The following is an entry in ClinVar:

ClinVar aggregate classification (germline): Uncertain significance (1 of 4 stars; one submission).

Submission:

Dasa
Classification: Uncertain significance. Last evaluated: 2025-07-19. Review status: criteria provided, single submitter. Criteria: DASA Assertion Criteria. Collection method: clinical testing. Allele origin: germline.
Comment: NM_001384140.1(PCDH15):c.4712del (p.Glu1571Glyfs*42) is a frameshift variant in PCDH15 predicted to alter the reading frame and introduce a premature termination codon and is predicted to result in an absent or altered protein product. This variant is rare in population databases. The currently available literature and clinical evidence are not sufficient to establish a definitive association between this variant and the reported condition. Therefore, this variant is classified as a variant of uncertain significance.

NM_001384140.1(PCDH15):c.4712del (p.Glu1571fs)

Gene: PCDH15 (protocadherin related 15; minus strand). Cytogenetic location: 10q21.1.
Variant type: Deletion.
Coding change: c.4712del on transcript NM_001384140.1 (MANE Select); coding-DNA position 4712, one base deleted (A; older notation c.4712delA).
Protein change: p.Glu1571fs; shifts the reading frame from glutamic acid 1571.
Molecular consequence: frameshift variant.
Genome position (GRCh38, 1-based): chr10:53,807,090, T deleted on the plus strand (A on the coding strand, the reverse complement: PCDH15 is on the minus strand). VCF-style (leftmost placement, unchanged base first): chr10-53807089-CT-C. GRCh37 (hg19) VCF-style: chr10-55566849-CT-C.
Other names: c.4538del, p.Glu1513fs (NM_001142771.2); c.4523del, p.Glu1508fs (NM_001142772.2); c.4517del, p.Glu1506fs (NM_001354420.2); c.4646del, p.Glu1549fs (NM_001354429.2); short protein forms E1506fs, E1508fs, E1513fs, E1549fs, E1571fs.
Identifiers: ClinVar variation 4883900 (VCV004883900.2).